The following is an entry in ClinVar:

ClinVar aggregate classification (germline): Likely benign. Review status: criteria provided, multiple submitters, no conflicts (2 of 4 stars). 3 submissions from 3 submitters: Likely benign (3). Last evaluated 2026-08-19.

Conditions:
CTDP1-related disorder. Also called: CTDP1-related condition.

Allele frequency attached by ClinVar (database versions not stated): gnomAD exomes 0.00004; ExAC 0.00014; gnomAD 0.00035; TOPMed 0.00035; ESP Exome Variant Server 0.00054; 1000 Genomes Project 0.00060; 1000 Genomes Project 30x 0.00062.
gnomAD v4.1: 109 of 1,613,582 alleles (0.0068%); highest among the groups gnomAD compares: African/African-American, 0.12%; no homozygotes.

Submissions (3):

PreventionGenetics, part of Exact Sciences
Classification: Likely benign for CTDP1-related condition. Last evaluated: 2026-08-19. Review status: criteria provided, single submitter. Criteria: ACMG Guidelines, 2015. Collection method: clinical testing. Allele origin: germline.
Comment: This variant is classified as likely benign based on ACMG/AMP sequence variant interpretation guidelines (Richards et al. 2015 PMID: 25741868, with internal and published modifications).

Labcorp Genetics (formerly Invitae), Labcorp
Classification: Likely benign. Last evaluated: 2025-12-20. Review status: criteria provided, single submitter. Criteria: Invitae Variant Classification Sherloc (09022015). Collection method: clinical testing. Allele origin: germline.

Women's Health and Genetics/Laboratory Corporation of America, LabCorp
Classification: Likely benign. Last evaluated: 2025-03-10. Review status: criteria provided, single submitter. Criteria: LabCorp Variant Classification Summary - May 2015. Collection method: clinical testing. Allele origin: germline.

NM_004715.5(CTDP1):c.2334G>A (p.Thr778=)

Gene: CTDP1 (CTD phosphatase 1; plus strand). Cytogenetic location: 18q23.
Variant type: single nucleotide variant.
Coding change: c.2334G>A on transcript NM_004715.5 (MANE Select); coding-DNA position 2334, G replaced by A.
Protein change: p.Thr778=; no amino-acid change (threonine 778 retained).
Molecular consequence: synonymous variant.
Genome position (GRCh38, 1-based): chr18:79,717,933, G>A. VCF-style: chr18-79717933-G-A. GRCh37 (hg19) VCF-style: chr18-77477933-G-A.
Other names: c.1977G>A, p.Thr659= (NM_001202504.1); c.2334G>A, p.Thr778= (NM_001318511.2, NM_048368.4).
Identifiers: ClinVar variation 2064222 (VCV002064222.6), dbSNP rs138539842, ClinGen allele CA9010555.
Genomic context (GRCh38, chr18:79,717,933, plus strand): 5'-GATGCCGGTTCTTCCCAAGGCCCAGCCTGGCCCCGAGGTTCGGATCTACGACTCCAACAC[G>A]GGGAAGCTCATCAGGACGGGCGCCCGGGGGCCCCCAGCACCCTCCAGCTCCCTACCCATC-3'
Protein context (NP_004706.3, residues 768-788): GPEVRIYDSN[Thr778=]GKLIRTGARG